The following is an entry in ClinVar:

ClinVar aggregate classification (germline): Uncertain significance (1 of 4 stars; one submission).

Conditions:
Autosomal recessive severe congenital neutropenia due to CSF3R deficiency. Also called: Neutropenia, severe congenital, 7, autosomal recessive. Identifiers: Orphanet 420702, MedGen C4310764, MONDO:0014865, OMIM 617014.

Allele frequency attached by ClinVar (database versions not stated): gnomAD 0.00001; TOPMed 0.00001.
gnomAD v4.1: 1 of 1,614,092 alleles (0.000062%); highest among the groups gnomAD compares: African/African-American, 0.0013%; no homozygotes.

Submission:

Labcorp Genetics (formerly Invitae), Labcorp
Classification: Uncertain significance for Autosomal recessive severe congenital neutropenia due to CSF3R deficiency. Last evaluated: 2021-07-22. Review status: criteria provided, single submitter. Criteria: Invitae Variant Classification Sherloc (09022015). Collection method: clinical testing. Allele origin: germline.
Comment: This sequence change replaces serine with asparagine at codon 324 of the CSF3R protein (p.Ser324Asn). The serine residue is moderately conserved and there is a small physicochemical difference between serine and asparagine. In summary, the available evidence is currently insufficient to determine the role of this variant in disease. Therefore, it has been classified as a Variant of Uncertain Significance. Algorithms developed to predict the effect of missense changes on protein structure and function output the following: SIFT: "Tolerated"; PolyPhen-2: "Benign"; Align-GVGD: "Class C0". The asparagine amino acid residue is found in multiple mammalian species, suggesting that this missense change does not adversely affect protein function. These predictions have not been confirmed by published functional studies and their clinical significance is uncertain. This variant has not been reported in the literature in individuals with CSF3R-related conditions. The frequency data for this variant in the population databases is considered unreliable, as metrics indicate poor data quality at this position in the ExAC database.

NM_000760.4(CSF3R):c.971G>A (p.Ser324Asn)

Gene: CSF3R (colony stimulating factor 3 receptor; minus strand). Cytogenetic location: 1p34.3.
Variant type: single nucleotide variant.
Coding change: c.971G>A on transcript NM_000760.4 (MANE Select); coding-DNA position 971, G replaced by A.
Protein change: p.Ser324Asn; replaces serine 324 with asparagine.
Molecular consequence: missense variant.
Genome position (GRCh38, 1-based): chr1:36,472,264, C>T on the plus strand (G>A on the coding strand, the complement: CSF3R is on the minus strand). VCF-style: chr1-36472264-C-T. GRCh37 (hg19) VCF-style: chr1-36937865-C-T.
Other names: c.971G>A, p.Ser324Asn (NM_156039.3, NM_172313.3); short protein forms S324N.
Identifiers: ClinVar variation 946155 (VCV000946155.9), dbSNP rs772453466, ClinGen allele CA769335.